The following is an entry in ClinVar:

ClinVar aggregate classification (germline): Uncertain significance (1 of 4 stars; one submission).

Allele frequency attached by ClinVar (database versions not stated): gnomAD 0.00001; TOPMed 0.00003.
gnomAD v4.1: 43 of 1,614,056 alleles (0.0027%); highest among the groups gnomAD compares: Middle Eastern, 0.016%; no homozygotes.

Submission:

Labcorp Genetics (formerly Invitae), Labcorp
Classification: Uncertain significance. Last evaluated: 2022-06-13. Review status: criteria provided, single submitter. Criteria: Invitae Variant Classification Sherloc (09022015). Collection method: clinical testing. Allele origin: germline.
Comment: In summary, the available evidence is currently insufficient to determine the role of this variant in disease. Therefore, it has been classified as a Variant of Uncertain Significance. Algorithms developed to predict the effect of missense changes on protein structure and function output the following: SIFT: "Tolerated"; PolyPhen-2: "Benign"; Align-GVGD: "Class C0". The methionine amino acid residue is found in multiple mammalian species, which suggests that this missense change does not adversely affect protein function. This variant has not been reported in the literature in individuals affected with SRCAP-related conditions. This variant is present in population databases (rs749617098, gnomAD 0.01%). This sequence change replaces threonine, which is neutral and polar, with methionine, which is neutral and non-polar, at codon 1704 of the SRCAP protein (p.Thr1704Met).

NM_006662.3(SRCAP):c.5111C>T (p.Thr1704Met)

Gene: SRCAP (Snf2 related CREBBP activator protein; plus strand). Cytogenetic location: 16p11.2.
Variant type: single nucleotide variant.
Coding change: c.5111C>T on transcript NM_006662.3 (MANE Select); coding-DNA position 5111, C replaced by T.
Protein change: p.Thr1704Met; replaces threonine 1704 with methionine.
Molecular consequence: missense variant.
Genome position (GRCh38, 1-based): chr16:30,724,535, C>T. VCF-style: chr16-30724535-C-T. GRCh37 (hg19) VCF-style: chr16-30735856-C-T.
Other names: short protein forms T1704M.
Identifiers: ClinVar variation 1419013 (VCV001419013.6), dbSNP rs749617098, ClinGen allele CA8011901.